The following is an entry in ClinVar:

NM_000245.4(MET):c.1812C>T (p.Leu604=)

Gene: MET (MET proto-oncogene, receptor tyrosine kinase; plus strand). Cytogenetic location: 7q31.2.
Variant type: single nucleotide variant.
Coding change: c.1812C>T on transcript NM_000245.4 (MANE Select); coding-DNA position 1812, C replaced by T.
Protein change: p.Leu604=; no amino-acid change (leucine 604 retained).
Molecular consequence: synonymous variant.
Genome position (GRCh38, 1-based): chr7:116,755,465, C>T. VCF-style: chr7-116755465-C-T. GRCh37 (hg19) VCF-style: chr7-116395519-C-T.
Other names: c.1812C>T, p.Leu604= (NM_001127500.3, NM_001324401.3); c.522C>T, p.Leu174= (NM_001324402.2).
Identifiers: ClinVar variation 454199 (VCV000454199.13), dbSNP rs1412870024, ClinGen allele CA457216270.

ClinVar aggregate classification (germline): Benign/Likely benign. Review status: criteria provided, multiple submitters, no conflicts (2 of 4 stars). 3 submissions from 3 submitters: Benign (1); Likely benign (2). Last evaluated 2025-12-13.

Conditions:
Hereditary cancer-predisposing syndrome. Also called: Hereditary Cancer Syndrome; Hereditary neoplastic syndrome; Neoplastic Syndromes, Hereditary; Tumor predisposition. Identifiers: Orphanet 140162, MedGen C0027672, MeSH D009386, MONDO:0015356.
Renal cell carcinoma. Identifiers: Orphanet 217071, MedGen C0007134, MeSH D002292, MONDO:0005086, HP:0005584.
Papillary renal cell carcinoma type 1 (RCCP1). Also called: Renal adenocarcinoma; Renal cell carcinoma 1; Renal cell carcinoma, somatic; RENAL CELL CARCINOMA, PAPILLARY, 1, SOMATIC. Identifiers: Orphanet 47044, MedGen C1336839, OMIM 605074, HP:0011797.

Allele frequency attached by ClinVar (database versions not stated): gnomAD exomes below 0.00001; gnomAD 0.00001; TOPMed 0.00001.
gnomAD v4.1: 3 of 1,613,890 alleles (0.00019%); highest among the groups gnomAD compares: Non-Finnish European, 0.00025%; no homozygotes.

Submissions (3):

Labcorp Genetics (formerly Invitae), Labcorp
Classification: Likely benign for Renal cell carcinoma. Last evaluated: 2025-12-13. Review status: criteria provided, single submitter. Criteria: Invitae Variant Classification Sherloc (09022015). Collection method: clinical testing. Allele origin: germline.

Myriad Genetics, Inc.
Classification: Benign for Papillary renal cell carcinoma type 1. Last evaluated: 2024-11-08. Review status: criteria provided, single submitter. Criteria: Myriad Autosomal Dominant, Autosomal Recessive and X-Linked Classification Criteria (2023). Collection method: clinical testing. Allele origin: unknown.
Comment: This variant is considered benign. This variant is a silent/synonymous amino acid change and it is not expected to impact splicing.

Ambry Genetics
Classification: Likely benign for Hereditary cancer-predisposing syndrome. Last evaluated: 2021-03-25. Review status: criteria provided, single submitter. Criteria: Ambry Variant Classification Scheme 2023. Collection method: clinical testing. Allele origin: germline.